The following is an entry in ClinVar:

ClinVar aggregate classification (germline): Benign/Likely benign. Review status: criteria provided, multiple submitters, no conflicts (2 of 4 stars). 3 submissions from 3 submitters: Benign (2); Likely benign (1). Last evaluated 2026-04-09.

Conditions:
Leukocyte adhesion deficiency 3. Also called: Leukocyte adhesion deficiency, type III; INTEGRIN ACTIVATION DEFICIENCY DISEASE; LEUKOCYTE ADHESION DEFICIENCY 1 VARIANT. Identifiers: Orphanet 2968, Orphanet 99844, MedGen C2748536, MONDO:0013016, OMIM 612840.

Allele frequency attached by ClinVar (database versions not stated): 1000 Genomes Project 30x 0.00109; 1000 Genomes Project 0.00120; gnomAD 0.00142 and 0.00143; ExAC 0.00152; TOPMed 0.00164; gnomAD exomes 0.00183; ESP Exome Variant Server 0.00192.

Submissions (3):

Women's Health and Genetics/Laboratory Corporation of America, LabCorp
Classification: Benign. Last evaluated: 2026-04-09. Review status: criteria provided, single submitter. Criteria: LabCorp Variant Classification Summary - May 2015. Collection method: clinical testing. Allele origin: germline.
Comment: Variant summary: FERMT3 c.161-11G>A alters a non-conserved nucleotide located at a position not widely known to affect splicing. Consensus agreement among computation tools predict no significant impact on normal splicing. However, these predictions have yet to be confirmed by functional studies. The variant allele was found at a frequency of 0.0018 in 249646 control chromosomes, predominantly at a frequency of 0.0025 within the Latino subpopulation in the gnomAD database, including 1 homozygote. The observed variant frequency within Latino control individuals in the gnomAD database exceeds the estimated maximal expected allele frequency for disease-causing variants in FERMT3. To our knowledge, no occurrence of c.161-11G>A in individuals affected with FERMT3-related conditions and no experimental evidence demonstrating its impact on protein function have been reported. ClinVar contains an entry for this variant (Variation ID: 1168666). Based on the evidence outlined above, the variant was classified as benign.

Labcorp Genetics (formerly Invitae), Labcorp
Classification: Benign for Leukocyte adhesion deficiency 3. Last evaluated: 2026-01-26. Review status: criteria provided, single submitter. Criteria: Invitae Variant Classification Sherloc (09022015). Collection method: clinical testing. Allele origin: germline.

Blueprint Genetics
Classification: Likely benign. Last evaluated: 2024-11-27. Review status: criteria provided, single submitter. Criteria: ACMG Guidelines, 2015. Collection method: clinical testing. Allele origin: germline.

NM_031471.6(FERMT3):c.161-11G>A

Gene: FERMT3 (FERM domain containing kindlin 3; plus strand). Cytogenetic location: 11q13.1.
Variant type: single nucleotide variant.
Coding change: c.161-11G>A on transcript NM_031471.6 (MANE Select); 11 bases into the intron before coding-DNA position 161, G replaced by A.
Molecular consequence: intron variant.
Genome position (GRCh38, 1-based): chr11:64,210,600, G>A. VCF-style: chr11-64210600-G-A. GRCh37 (hg19) VCF-style: chr11-63978072-G-A.
Other names: c.161-11G>A (NM_001382362.1, NM_001382361.1, NM_001382448.1 and 1 more transcripts); c.-380-11G>A (NM_001382364.1, NM_001382363.1).
Identifiers: ClinVar variation 1168666 (VCV001168666.11), dbSNP rs188768294, ClinGen allele CA6068676.